The following is an entry in ClinVar:

ClinVar aggregate classification (germline): Uncertain significance (1 of 4 stars; one submission).

Conditions:
Saldino-Mainzer syndrome (SRTD9). Also called: CONORENAL SYNDROME; Renal dysplasia, retinal pigmentary dystrophy, cerebellar ataxia and skeletal dysplasia; SHORT-RIB THORACIC DYSPLASIA 9 WITHOUT POLYDACTYLY; short-rib thoracic dysplasia 9 with or without polydactyly. Identifiers: Orphanet 140969, MedGen C1849437, MONDO:0009964, OMIM 266920.

Submission:

Labcorp Genetics (formerly Invitae), Labcorp
Classification: Uncertain significance for Saldino-Mainzer syndrome. Last evaluated: 2025-10-06. Review status: criteria provided, single submitter. Criteria: Invitae Variant Classification Sherloc (09022015). Collection method: clinical testing. Allele origin: germline.
Comment: This sequence change replaces isoleucine, which is neutral and non-polar, with valine, which is neutral and non-polar, at codon 785 of the IFT140 protein (p.Ile785Val). This variant is not present in population databases (gnomAD no frequency). This variant has not been reported in the literature in individuals affected with IFT140-related conditions. Invitae Evidence Modeling of protein sequence and biophysical properties (such as structural, functional, and spatial information, amino acid conservation, physicochemical variation, residue mobility, and thermodynamic stability) indicates that this missense variant is not expected to disrupt IFT140 protein function with a negative predictive value of 95%. In summary, the available evidence is currently insufficient to determine the role of this variant in disease. Therefore, it has been classified as a Variant of Uncertain Significance.

NM_014714.4(IFT140):c.2353A>G (p.Ile785Val)

Gene: IFT140 (intraflagellar transport 140; minus strand). Cytogenetic location: 16p13.3.
Variant type: single nucleotide variant.
Coding change: c.2353A>G on transcript NM_014714.4 (MANE Select); coding-DNA position 2353, A replaced by G.
Protein change: p.Ile785Val; replaces isoleucine 785 with valine.
Molecular consequence: missense variant.
Genome position (GRCh38, 1-based): chr16:1,557,981, T>C on the plus strand (A>G on the coding strand, the complement: IFT140 is on the minus strand). VCF-style: chr16-1557981-T-C. GRCh37 (hg19) VCF-style: chr16-1607982-T-C.
Other names: short protein forms I785V.
Identifiers: ClinVar variation 4796907 (VCV004796907.1).